The following is an entry in ClinVar:

ClinVar aggregate classification (germline): Benign/Likely benign. Review status: criteria provided, multiple submitters, no conflicts (2 of 4 stars). 4 submissions from 4 submitters: Benign (2); Likely benign (1). 1 of the submissions does not count toward it. Last evaluated 2026-02-03.

Conditions:
EFTUD2-related disorder. Also called: EFTUD2-related condition.

Allele frequency attached by ClinVar (database versions not stated): gnomAD 0.00013 and 0.00022; gnomAD exomes 0.00016 and 0.00056; TOPMed 0.00023; ExAC 0.00052; 1000 Genomes Project 30x 0.00141; 1000 Genomes Project 0.00180.
gnomAD v4.1: 264 of 1,614,112 alleles (0.016%); highest among the groups gnomAD compares: East Asian, 0.55%; 1 homozygote.

Submissions (4):

Labcorp Genetics (formerly Invitae), Labcorp
Classification: Benign. Last evaluated: 2026-02-03. Review status: criteria provided, single submitter. Criteria: Invitae Variant Classification Sherloc (09022015). Collection method: clinical testing. Allele origin: germline.

Blueprint Genetics
Classification: Likely benign. Last evaluated: 2024-09-17. Review status: criteria provided, single submitter. Criteria: ACMG Guidelines, 2015. Collection method: clinical testing. Allele origin: germline.

GeneDx
Classification: Benign. Last evaluated: 2020-03-30. Review status: criteria provided, single submitter. Criteria: GeneDx Variant Classification Process June 2021. Collection method: clinical testing. Allele origin: germline. Affected: yes.

PreventionGenetics, part of Exact Sciences
Classification: Likely benign for EFTUD2-related condition. Last evaluated: 2019-02-22. Review status: no assertion criteria provided. Collection method: clinical testing. Allele origin: germline. Not counted in ClinVar's aggregate classification.
Comment: This variant is classified as likely benign based on ACMG/AMP sequence variant interpretation guidelines (Richards et al. 2015 PMID: 25741868, with internal and published modifications).

NM_004247.4(EFTUD2):c.2631C>T (p.Ala877=)

Gene: EFTUD2 (elongation factor Tu GTP binding domain containing 2; minus strand). Cytogenetic location: 17q21.31.
Variant type: single nucleotide variant.
Coding change: c.2631C>T on transcript NM_004247.4 (MANE Select); coding-DNA position 2631, C replaced by T.
Protein change: p.Ala877=; no amino-acid change (alanine 877 retained).
Molecular consequence: synonymous variant.
Genome position (GRCh38, 1-based): chr17:44,852,493, G>A on the plus strand (C>T on the coding strand, the complement: EFTUD2 is on the minus strand). VCF-style: chr17-44852493-G-A. GRCh37 (hg19) VCF-style: chr17-42929861-G-A.
Other names: c.2526C>T, p.Ala842= (NM_001142605.2); c.2631C>T, p.Ala877= (NM_001258353.2); c.2601C>T, p.Ala867= (NM_001258354.2).
Identifiers: ClinVar variation 708227 (VCV000708227.12), dbSNP rs150043541, ClinGen allele CA8607436.
Genomic context (GRCh38, chr17:44,852,493, plus strand): 5'-AGAAAAGGCTTGTCCCTGGGTGTGAGTCCGGAGATCAGTCTCAAAGCCAAAAGAGTCGAT[G>A]GCCGGGATAAAAGCTTTGATGGTGTACAGAGGGGAGCCTGGGATGGGTGCATCCTGAGTC-3'
Protein context (NP_004238.3, residues 867-887): PLYTIKAFIP[Ala877=]IDSFGFETDL